The following is an entry in ClinVar:

ClinVar aggregate classification (germline): Uncertain significance (1 of 4 stars; one submission).

Allele frequency attached by ClinVar (database versions not stated): gnomAD 0.00002; TOPMed 0.00007.
gnomAD v4.1: 44 of 1,613,832 alleles (0.0027%); highest among the groups gnomAD compares: African/African-American, 0.0067%; no homozygotes.

Submission:

Labcorp Genetics (formerly Invitae), Labcorp
Classification: Uncertain significance. Last evaluated: 2023-04-07. Review status: criteria provided, single submitter. Criteria: Invitae Variant Classification Sherloc (09022015). Collection method: clinical testing. Allele origin: germline.
Comment: This sequence change falls in intron 3 of the TNS2 gene. It does not directly change the encoded amino acid sequence of the TNS2 protein. This variant is present in population databases (rs760514195, gnomAD 0.02%). This variant has not been reported in the literature in individuals affected with TNS2-related conditions. Algorithms developed to predict the effect of sequence changes on RNA splicing suggest that this variant may disrupt the consensus splice site. In summary, the available evidence is currently insufficient to determine the role of this variant in disease. Therefore, it has been classified as a Variant of Uncertain Significance.

NM_170754.4(TNS2):c.223-13G>A

Genes: TNS2 (tensin 2; plus strand), TNS2-AS1 (TNS2 antisense RNA 1; minus strand). Cytogenetic location: 12q13.13.
Variant type: single nucleotide variant.
Coding change: c.223-13G>A on transcript NM_170754.4 (MANE Select); 13 bases into the intron before coding-DNA position 223, G replaced by A.
Molecular consequence: intron variant. On other transcripts: non-coding transcript variant (1).
Genome position (GRCh38, 1-based): chr12:53,053,398, G>A. VCF-style: chr12-53053398-G-A. GRCh37 (hg19) VCF-style: chr12-53447182-G-A.
Other names: c.-150-13G>A (NM_198316.2); c.223-13G>A (NM_001416202.1, NM_001416204.1); c.154-13G>A (NM_001416203.1, NM_015319.3).
Identifiers: ClinVar variation 2874656 (VCV002874656.3), dbSNP rs760514195, ClinGen allele CA6591844.